The following is an entry in ClinVar:

NM_000044.6(AR):c.239_240insGCAGCAGCAGTAGCAGCAGCAGCAGCA (p.Gln80_Glu81insGlnGlnGlnTer)

Genes: AR (androgen receptor; plus strand), LOC109504725 (androgen receptor repeat instability region; plus strand). Cytogenetic location: Xq12.
Variant type: Microsatellite.
Coding change: c.239_240insGCAGCAGCAGTAGCAGCAGCAGCAGCA on transcript NM_000044.6 (MANE Select); coding-DNA positions 239 to 240, GCAGCAGCAGTAGCAGCAGCAGCAGCA inserted.
Protein change: p.Gln80_Glu81insGlnGlnGlnTer.
Molecular consequence: nonsense, inframe insertion. On other transcripts: 5 prime UTR variant (1), frameshift variant (1).
Genome position: GRCh38 VCF-style: chrX-67545369-C-CAGCAGCAGCAGCAGCAGCAGCAGCAGT. GRCh37 (hg19) VCF-style: chrX-66765211-C-CAGCAGCAGCAGCAGCAGCAGCAGCAGT.
Other names: c.-1560_-1545AGC[8]AGTAGCAGCAGCAGCAGCA[1] (NM_001011645.3); c.239_240insGCAGCAGCAGTAGCAGCAGCAGCAGCA, p.Gln80_Glu81insGlnGlnGlnTer (NM_001348061.1, NM_001348063.1, NM_001348064.1); c.173_175AGC[8], p.Gln67Argfs (NM_001424175.1).
Identifiers: ClinVar variation 2951291 (VCV002951291.3), dbSNP rs2519600811.

ClinVar aggregate classification (germline): Pathogenic (1 of 4 stars; one submission).

Conditions:
Kennedy disease (SMAX1). Also called: SPINAL AND BULBAR MUSCULAR ATROPHY, X-LINKED 1; KENNEDY SPINAL AND BULBAR MUSCULAR ATROPHY; Spinal and Bulbar Muscular Atrophy. Identifiers: Orphanet 481, MedGen C1839259, MONDO:0010735, OMIM 313200.
Androgen resistance syndrome (AIS). Also called: DHTR DEFICIENCY; DIHYDROTESTOSTERONE RECEPTOR DEFICIENCY; ANDROGEN RECEPTOR DEFICIENCY; TESTICULAR FEMINIZATION SYNDROME; Androgen insensitivity syndrome; Androgen insensitivity. Identifiers: Orphanet 754, Orphanet 99429, MedGen C0039585, MONDO:0019154, OMIM 300068. Disease mechanism: loss of function.

Submission:

Labcorp Genetics (formerly Invitae), Labcorp
Classification: Pathogenic for Kennedy disease; Androgen resistance syndrome. Last evaluated: 2023-10-20. Review status: criteria provided, single submitter. Criteria: Invitae Variant Classification Sherloc (09022015). Collection method: clinical testing. Allele origin: germline.
Comment: This sequence change creates a premature translational stop signal (p.Gln80_Glu81insGlnGlnGln*) in the AR gene. It is expected to result in an absent or disrupted protein product. Loss-of-function variants in AR are known to be pathogenic (PMID: 19463997). This variant is not present in population databases (gnomAD no frequency). This variant has not been reported in the literature in individuals affected with AR-related conditions. For these reasons, this variant has been classified as Pathogenic.

Literature cited by the submitters: PubMed 19463997.